The following is an entry in ClinVar:

NM_015602.4(TOR1AIP1):c.83G>A (p.Gly28Glu)

Genes: TOR1AIP1 (torsin 1A interacting protein 1; plus strand), LOC112577517 (Sharpr-MPRA regulatory region 13766; plus strand). Cytogenetic location: 1q25.2.
Variant type: single nucleotide variant.
Coding change: c.83G>A on transcript NM_015602.4 (MANE Select); coding-DNA position 83, G replaced by A.
Protein change: p.Gly28Glu; replaces glycine 28 with glutamic acid.
Molecular consequence: missense variant.
Genome position (GRCh38, 1-based): chr1:179,882,585, G>A. VCF-style: chr1-179882585-G-A. GRCh37 (hg19) VCF-style: chr1-179851720-G-A.
Other names: c.83G>A, p.Gly28Glu (NM_001267578.2); short protein forms G28E.
Identifiers: ClinVar variation 1447531 (VCV001447531.6), dbSNP rs1008146553, ClinGen allele CA33712095.
Genomic context (GRCh38, chr1:179,882,585, plus strand): 5'-CAGAGGCGGTGCGGGAAGGATGGGGTGTGTACGTCACCCCCAGGGCCCCCATCCGAGAGG[G>A]AAGGGGCCGGCTCGCCCCTCAAAATGGCGGCAGCAGCGATGCGCCTGCGTACAGAACTCC-3'
Protein context (NP_056417.2, residues 18-38): YVTPRAPIRE[Gly28Glu]RGRLAPQNGG

ClinVar aggregate classification (germline): Uncertain significance (1 of 4 stars; one submission).

Conditions:
Autosomal recessive limb-girdle muscular dystrophy type 2Y (MRRSDC). Also called: Muscular dystrophy, limb-girdle, type 2y; Muscular dystrophy, autosomal recessive, with rigid spine and distal joint contractures. Identifiers: Orphanet 424261, MedGen C4511482, MONDO:0014900, OMIM 617072.

Allele frequency attached by ClinVar (database versions not stated): gnomAD exomes 0.00001; TOPMed 0.00001.
gnomAD v4.1: 9 of 1,522,606 alleles (0.00059%); highest among the groups gnomAD compares: South Asian, 0.0013%; no homozygotes.

Submission:

Labcorp Genetics (formerly Invitae), Labcorp
Classification: Uncertain significance for Autosomal recessive limb-girdle muscular dystrophy type 2Y. Last evaluated: 2026-01-12. Review status: criteria provided, single submitter. Criteria: Invitae Variant Classification Sherloc (09022015). Collection method: clinical testing. Allele origin: germline.
Comment: This sequence change replaces glycine, which is neutral and non-polar, with glutamic acid, which is acidic and polar, at codon 28 of the TOR1AIP1 protein (p.Gly28Glu). This variant is present in population databases (no rsID available, gnomAD 0.003%). This variant has not been reported in the literature in individuals affected with TOR1AIP1-related conditions. ClinVar contains an entry for this variant (Variation ID: 1447531). An algorithm developed to predict the effect of missense changes on protein structure and function (PolyPhen-2) suggests that this variant is likely to be disruptive. In summary, the available evidence is currently insufficient to determine the role of this variant in disease. Therefore, it has been classified as a Variant of Uncertain Significance.